The following is an entry in ClinVar:

ClinVar aggregate classification (germline): Likely pathogenic (3 of 4 stars; one submission).

Conditions:
Hereditary factor VIII deficiency disease (HEMA). Also called: HEMOPHILIA, CLASSIC; AUTOSOMAL HEMOPHILIA A; Hemophilia A; Hemophilia A, congenital; HEM A; Factor 8 deficiency, congenital. Identifiers: Orphanet 98878, MedGen C0019069, MONDO:0010602, OMIM 306700.

Submission:

ClinGen Coagulation Factor Deficiency Variant Curation Expert Panel, Clingen
Classification: Likely pathogenic for Hereditary factor VIII deficiency disease. Last evaluated: 2025-03-10. Review status: reviewed by expert panel. Criteria: ClinGen CoagFactor ACMG Specifications F8 V1.0.0. Collection method: curation. Allele origin: germline. Inheritance: X-linked inheritance.
Comment: The variant, NM_000132.3(F8):c.1420G>C, predicts a missense change, Gly474Arg, which is not reported in gnomAD v2.1.1 or v3. This variant has not been reported in any patients with Hemophilia A in the literature, to the best of our knowledge. The variant has a REVEL score of 0.972 (threshold >0.6). Another nucleotide change at this position (G>A) results in the same amino acid change, Gly474Arg, currently evaluated to be a likely pathogenic meeting PS1_Moderate criteria. Another variant at the same codon (c.1421G>A (p.Gly474Glu)) is classified as pathogenic by CFD-VCEP, meeting the PM5 criteria. In summary, the clinical significance of this variant is likely pathogenic. ACMG/AMP criteria applied, as specified by the Coagulation Factor Deficiency Variant Curation Expert Panel for F8: PS1_Moderate, PM5, PM2_Supporting, PP3.

NM_000132.4(F8):c.1420G>C (p.Gly474Arg)

Gene: F8 (coagulation factor VIII; minus strand). Cytogenetic location: Xq28.
Variant type: single nucleotide variant.
Coding change: c.1420G>C on transcript NM_000132.4 (MANE Select); coding-DNA position 1420, G replaced by C.
Protein change: p.Gly474Arg; replaces glycine 474 with arginine.
Molecular consequence: missense variant.
Genome position (GRCh38, 1-based): chrX:154,965,993, C>G on the plus strand (G>C on the coding strand, the complement: F8 is on the minus strand). VCF-style: chrX-154965993-C-G. GRCh37 (hg19) VCF-style: chrX-154194268-C-G.
Other names: NM_000132.3:c.1420G>C; short protein forms G474R.
Identifiers: ClinVar variation 3775068 (VCV003775068.1).
Genomic context (GRCh38, chrX:154,965,993, plus strand): 5'-TCTTCTTACCTGACCTTAAATCTTTTCTTCAACTTACCAACAGTGTGTCTCCAACTTCCC[C>G]ATAAAGTAAAGGTCCCAAGATTCCTGATTCATGCTGAATAGCTTCACGAGTCTTAAAGGT-3'
Protein context (NP_000123.1, residues 464-484): ESGILGPLLY[Gly474Arg]EVGDTLLIIF